The following is an entry in ClinVar:

NM_024642.5(GALNT12):c.144C>T (p.Ala48=)

Gene: GALNT12 (polypeptide N-acetylgalactosaminyltransferase 12; plus strand). Cytogenetic location: 9q22.33.
Variant type: single nucleotide variant.
Coding change: c.144C>T on transcript NM_024642.5 (MANE Select); coding-DNA position 144, C replaced by T.
Protein change: p.Ala48=; no amino-acid change (alanine 48 retained).
Molecular consequence: synonymous variant.
Genome position (GRCh38, 1-based): chr9:98,807,842, C>T. VCF-style: chr9-98807842-C-T. GRCh37 (hg19) VCF-style: chr9-101570124-C-T.
Identifiers: ClinVar variation 1772894 (VCV001772894.3), dbSNP rs1060504772, ClinGen allele CA466647391.

ClinVar aggregate classification (germline): Benign/Likely benign. Review status: criteria provided, multiple submitters, no conflicts (2 of 4 stars). 2 submissions from 2 submitters: Benign (1); Likely benign (1). Last evaluated 2026-04-22.

Conditions:
Colorectal cancer, susceptibility to, 1. Also called: COLORECTAL ADENOMA AND CANCER, SUSCEPTIBILITY TO; COLORECTAL CANCER, SUSCEPTIBILITY TO, ON CHROMOSOME 9. Identifiers: MedGen C1837315, MONDO:0012132, OMIM 608812.

Submissions (2):

Myriad Genetics, Inc.
Classification: Benign for Colorectal cancer, susceptibility to, 1. Last evaluated: 2026-04-22. Review status: criteria provided, single submitter. Criteria: Myriad Autosomal Dominant, Autosomal Recessive and X-Linked Classification Criteria (2023). Collection method: clinical testing. Allele origin: unknown.
Comment: This variant is considered benign. This variant is a silent/synonymous amino acid change and it is not expected to impact splicing.

Ambry Genetics
Classification: Likely benign. Last evaluated: 2019-09-04. Review status: criteria provided, single submitter. Criteria: Ambry Variant Classification Scheme 2023. Collection method: clinical testing. Allele origin: germline.